The following is an entry in ClinVar:

NM_001360016.2(G6PD):c.922T>C (p.Tyr308His)

Gene: G6PD (glucose-6-phosphate dehydrogenase; minus strand). Cytogenetic location: Xq28.
Variant type: single nucleotide variant.
Coding change: c.922T>C on transcript NM_001360016.2 (MANE Select); coding-DNA position 922, T replaced by C.
Protein change: p.Tyr308His; replaces tyrosine 308 with histidine.
Molecular consequence: missense variant.
Genome position (GRCh38, 1-based): chrX:154,533,071, A>G on the plus strand (T>C on the coding strand, the complement: G6PD is on the minus strand). VCF-style: chrX-154533071-A-G. GRCh37 (hg19) VCF-style: chrX-153761286-A-G.
Other names: c.1012T>C, p.Tyr338His (NM_000402.4); c.922T>C, p.Tyr308His (NM_001042351.3); short protein forms Y308H, Y338H.
Identifiers: ClinVar variation 2631099 (VCV002631099.1), dbSNP rs2523264017, ClinGen allele CA415234741.
Genomic context (GRCh38, chrX:154,533,071, plus strand): 5'-CCGTGGGGTCGTCCAGGTACCCTTTGGTGGCCTCGCCCTCTCCATCGGGGTTCCCCACGT[A>G]CTGGCCCAGGACCACATTGTTGGCCTGCACCTCTGAGATGCATTTCAACACCTTGACCTG-3'
Protein context (NP_001346945.1, residues 298-318): VQANNVVLGQ[Tyr308His]VGNPDGEGEA

ClinVar aggregate classification (germline): Uncertain significance (1 of 4 stars; one submission).

Conditions:
G6PD-related disorder. Also called: G6PD-related condition.

Submission:

PreventionGenetics, part of Exact Sciences
Classification: Uncertain significance for G6PD-related condition. Last evaluated: 2023-08-23. Review status: criteria provided, single submitter. Criteria: ACMG Guidelines, 2015. Collection method: clinical testing. Allele origin: germline.
Comment: The G6PD c.922T>C variant is predicted to result in the amino acid substitution p.Tyr308His. To our knowledge, this variant has not been reported in the literature or in a large population database, indicating this variant is rare. At this time, the clinical significance of this variant is uncertain due to the absence of conclusive functional and genetic evidence.